The following is an entry in ClinVar:

NM_000632.4(ITGAM):c.1985G>A (p.Arg662Gln)

Gene: ITGAM (integrin subunit alpha M; plus strand). Cytogenetic location: 16p11.2.
Variant type: single nucleotide variant.
Coding change: c.1985G>A on transcript NM_000632.4 (MANE Select); coding-DNA position 1985, G replaced by A.
Protein change: p.Arg662Gln; replaces arginine 662 with glutamine.
Molecular consequence: missense variant.
Genome position (GRCh38, 1-based): chr16:31,321,610, G>A. VCF-style: chr16-31321610-G-A. GRCh37 (hg19) VCF-style: chr16-31332931-G-A.
Other names: c.1988G>A, p.Arg663Gln (NM_001145808.2); short protein forms R662Q, R663Q.
Identifiers: ClinVar variation 2192755 (VCV002192755.4), dbSNP rs368823511, ClinGen allele CA8025696.

ClinVar aggregate classification (germline): Uncertain significance (1 of 4 stars; one submission).

Allele frequency attached by ClinVar (database versions not stated): gnomAD 0.00003; TOPMed 0.00003; ExAC 0.00005; ESP Exome Variant Server 0.00008.
gnomAD v4.1: 24 of 1,613,704 alleles (0.0015%); highest among the groups gnomAD compares: Admixed American, 0.012%; no homozygotes.

Submission:

Labcorp Genetics (formerly Invitae), Labcorp
Classification: Uncertain significance. Last evaluated: 2026-01-02. Review status: criteria provided, single submitter. Criteria: Invitae Variant Classification Sherloc (09022015). Collection method: clinical testing. Allele origin: germline.
Comment: This sequence change replaces arginine, which is basic and polar, with glutamine, which is neutral and polar, at codon 662 of the ITGAM protein (p.Arg662Gln). This variant is present in population databases (rs368823511, gnomAD 0.01%). This variant has not been reported in the literature in individuals affected with ITGAM-related conditions. ClinVar contains an entry for this variant (Variation ID: 2192755). An algorithm developed to predict the effect of missense changes on protein structure and function (PolyPhen-2) suggests that this variant is likely to be tolerated. In summary, the available evidence is currently insufficient to determine the role of this variant in disease. Therefore, it has been classified as a Variant of Uncertain Significance.